The following is an entry in ClinVar:

ClinVar aggregate classification (germline): Likely benign. Review status: criteria provided, multiple submitters, no conflicts (2 of 4 stars). 2 submissions from 2 submitters: Likely benign (2). Last evaluated 2025-02-26.

Conditions:
Glycine encephalopathy. Also called: Non-ketotic hyperglycinemia; Nonketotic hyperglycinemia. Identifiers: Orphanet 407, MedGen C0751748, MONDO:0011612, HP:0008288.

Allele frequency attached by ClinVar (database versions not stated): gnomAD 0.00001 and 0.00002; TOPMed 0.00002; ExAC 0.00005; ESP Exome Variant Server 0.00008; 1000 Genomes Project 30x 0.00016; 1000 Genomes Project 0.00020.
gnomAD v4.1: 14 of 1,613,120 alleles (0.00087%); highest among the groups gnomAD compares: African/African-American, 0.0067%; no homozygotes.

Submissions (2):

Labcorp Genetics (formerly Invitae), Labcorp
Classification: Likely benign for Glycine encephalopathy. Last evaluated: 2025-02-26. Review status: criteria provided, single submitter. Criteria: Invitae Variant Classification Sherloc (09022015). Collection method: clinical testing. Allele origin: germline.

CeGaT Center for Human Genetics Tuebingen
Classification: Likely benign. Last evaluated: 2022-05-01. Review status: criteria provided, single submitter. Criteria: CeGaT Center For Human Genetics Tuebingen Variant Classification Criteria Version 2. Collection method: clinical testing. Allele origin: germline. Affected: yes. Observed: 1 variant allele.
Comment: GLDC: BP4, BP7

NM_000170.3(GLDC):c.831G>A (p.Thr277=)

Gene: GLDC (glycine decarboxylase; minus strand). Cytogenetic location: 9p24.1.
Variant type: single nucleotide variant.
Coding change: c.831G>A on transcript NM_000170.3 (MANE Select); coding-DNA position 831, G replaced by A.
Protein change: p.Thr277=; no amino-acid change (threonine 277 retained).
Molecular consequence: synonymous variant.
Genome position (GRCh38, 1-based): chr9:6,605,161, C>T on the plus strand (G>A on the coding strand, the complement: GLDC is on the minus strand). VCF-style: chr9-6605161-C-T. GRCh37 (hg19) VCF-style: chr9-6605161-C-T.
Identifiers: ClinVar variation 797271 (VCV000797271.41), dbSNP rs369824891, ClinGen allele CA4980974.